The following is an entry in ClinVar:

NM_000059.4(BRCA2):c.3652G>A (p.Gly1218Ser)

Gene: BRCA2 (BRCA2 DNA repair associated; plus strand). Cytogenetic location: 13q13.1.
Variant type: single nucleotide variant.
Coding change: c.3652G>A on transcript NM_000059.4 (MANE Select); coding-DNA position 3652, G replaced by A.
Protein change: p.Gly1218Ser; replaces glycine 1218 with serine.
Molecular consequence: missense variant. On other transcripts: non-coding transcript variant (1), intron variant (2).
Genome position (GRCh38, 1-based): chr13:32,338,007, G>A. VCF-style: chr13-32338007-G-A. GRCh37 (hg19) VCF-style: chr13-32912144-G-A.
Other names: c.3652G>A, p.Gly1218Ser (NM_001406719.1, NM_001406720.1); c.1909+4620G>A (NM_001406721.1); c.425-6551G>A (NM_001406722.1); short protein forms G1218S.
Identifiers: ClinVar variation 2859939 (VCV002859939.3), dbSNP rs2137498692, ClinGen allele CA387777957.

ClinVar aggregate classification (germline): Uncertain significance (1 of 4 stars; one submission).

Conditions:
Hereditary breast ovarian cancer syndrome. Also called: Hereditary breast and ovarian cancer syndrome (HBOC); Hereditary breast and ovarian cancer syndrome; Hereditary breast and/or ovarian cancer syndrome; Hereditary breast and ovarian cancer; Breast and ovarian cancer; BRCA1- and BRCA2-Associated Hereditary Breast and Ovarian Cancer. Identifiers: Orphanet 145, MedGen C0677776, MeSH D061325, MONDO:0003582. Disease mechanism: loss of function.

Submission:

Labcorp Genetics (formerly Invitae), Labcorp
Classification: Uncertain significance for Hereditary breast ovarian cancer syndrome. Last evaluated: 2023-04-28. Review status: criteria provided, single submitter. Criteria: Invitae Variant Classification Sherloc (09022015). Collection method: clinical testing. Allele origin: germline.
Comment: In summary, the available evidence is currently insufficient to determine the role of this variant in disease. Therefore, it has been classified as a Variant of Uncertain Significance. This sequence change replaces glycine, which is neutral and non-polar, with serine, which is neutral and polar, at codon 1218 of the BRCA2 protein (p.Gly1218Ser). This variant is not present in population databases (gnomAD no frequency). This variant has not been reported in the literature in individuals affected with BRCA2-related conditions. Advanced modeling of protein sequence and biophysical properties (such as structural, functional, and spatial information, amino acid conservation, physicochemical variation, residue mobility, and thermodynamic stability) performed at Invitae indicates that this missense variant is not expected to disrupt BRCA2 protein function.